The following is an entry in ClinVar:

ClinVar aggregate classification (germline): Uncertain significance. Review status: criteria provided, multiple submitters, no conflicts (2 of 4 stars). 2 submissions from 2 submitters: Uncertain significance (2). Last evaluated 2024-12-02.

Conditions:
Hereditary cancer-predisposing syndrome. Also called: Hereditary Cancer Syndrome; Hereditary neoplastic syndrome; Tumor predisposition; Neoplastic Syndromes, Hereditary. Identifiers: Orphanet 140162, MedGen C0027672, MeSH D009386, MONDO:0015356.
Familial cancer of breast. Also called: BREAST CANCER, FAMILIAL; hereditary breast carcinoma; Hereditary breast cancer. Identifiers: Orphanet 227535, MedGen C0346153, MONDO:0016419, OMIM 114480. Disease mechanism: loss of function.
Fanconi anemia complementation group J. Also called: BRIP1-Related Fanconi Anemia. Identifiers: Orphanet 84, MedGen C1836860, MONDO:0012187, OMIM 609054.

Submissions (2):

Labcorp Genetics (formerly Invitae), Labcorp
Classification: Uncertain significance for Familial cancer of breast; Fanconi anemia complementation group J. Last evaluated: 2024-12-02. Review status: criteria provided, single submitter. Criteria: Invitae Variant Classification Sherloc (09022015). Collection method: clinical testing. Allele origin: germline.
Comment: This sequence change replaces proline, which is neutral and non-polar, with leucine, which is neutral and non-polar, at codon 163 of the BRIP1 protein (p.Pro163Leu). This variant is not present in population databases (gnomAD no frequency). This variant has not been reported in the literature in individuals affected with BRIP1-related conditions. ClinVar contains an entry for this variant (Variation ID: 1352961). Invitae Evidence Modeling of protein sequence and biophysical properties (such as structural, functional, and spatial information, amino acid conservation, physicochemical variation, residue mobility, and thermodynamic stability) indicates that this missense variant is not expected to disrupt BRIP1 protein function with a negative predictive value of 95%. In summary, the available evidence is currently insufficient to determine the role of this variant in disease. Therefore, it has been classified as a Variant of Uncertain Significance.

Ambry Genetics
Classification: Uncertain significance for Hereditary cancer-predisposing syndrome. Last evaluated: 2023-02-10. Review status: criteria provided, single submitter. Criteria: Ambry Variant Classification Scheme 2023. Collection method: clinical testing. Allele origin: germline.
Comment: The p.P163L variant (also known as c.488C>T), located in coding exon 4 of the BRIP1 gene, results from a C to T substitution at nucleotide position 488. The proline at codon 163 is replaced by leucine, an amino acid with similar properties. This amino acid position is well conserved in available vertebrate species. In addition, this alteration is predicted to be tolerated by in silico analysis. Since supporting evidence is limited at this time, the clinical significance of this alteration remains unclear.

NM_032043.3(BRIP1):c.488C>T (p.Pro163Leu)

Gene: BRIP1 (BRCA1 interacting DNA helicase 1; minus strand). Cytogenetic location: 17q23.2.
Variant type: single nucleotide variant.
Coding change: c.488C>T on transcript NM_032043.3 (MANE Select); coding-DNA position 488, C replaced by T.
Protein change: p.Pro163Leu; replaces proline 163 with leucine.
Molecular consequence: missense variant.
Genome position (GRCh38, 1-based): chr17:61,849,148, G>A on the plus strand (C>T on the coding strand, the complement: BRIP1 is on the minus strand). VCF-style: chr17-61849148-G-A. GRCh37 (hg19) VCF-style: chr17-59926509-G-A.
Other names: c.488C>T (NM_032043.2); short protein forms P163L.
Identifiers: ClinVar variation 1352961 (VCV001352961.10), dbSNP rs2145761987, ClinGen allele CA400484383.